The following is an entry in ClinVar:

NM_000081.4(LYST):c.1124C>T (p.Ala375Val)

Gene: LYST (lysosomal trafficking regulator; minus strand). Cytogenetic location: 1q42.3.
Variant type: single nucleotide variant.
Coding change: c.1124C>T on transcript NM_000081.4 (MANE Select); coding-DNA position 1124, C replaced by T.
Protein change: p.Ala375Val; replaces alanine 375 with valine.
Molecular consequence: missense variant.
Genome position (GRCh38, 1-based): chr1:235,809,694, G>A on the plus strand (C>T on the coding strand, the complement: LYST is on the minus strand). VCF-style: chr1-235809694-G-A. GRCh37 (hg19) VCF-style: chr1-235972994-G-A.
Other names: c.1124C>T, p.Ala375Val (NM_001301365.1); c.1124C>T (NM_000081.2); short protein forms A375V.
Identifiers: ClinVar variation 852246 (VCV000852246.7), dbSNP rs773380110, ClinGen allele CA1467514.
Genomic context (GRCh38, chr1:235,809,694, plus strand): 5'-CGATACTTTGAAAACACAAAATCTTCCTGAACCTCCTGCAGTGTTTTCTTTTGTCTTGGT[G>A]CAAAAGGGTCAGGCTGCTTTTCTAGGCATATTCTAATTTTTAAAGCTGCTCTAAGCAATT-3'
Protein context (NP_000072.2, residues 365-385): ICLEKQPDPF[Ala375Val]PRQKKTLQEV

ClinVar aggregate classification (germline): Uncertain significance. Review status: criteria provided, multiple submitters, no conflicts (2 of 4 stars). 2 submissions from 2 submitters: Uncertain significance (2). Last evaluated 2025-11-23.

Conditions:
Inborn genetic diseases. Identifiers: MedGen C0950123, MeSH D030342.
Chédiak-Higashi syndrome (CHS). Also called: Chediak-Higashi Syndrome. Identifiers: Orphanet 167, MedGen C0007965, MONDO:0008963, OMIM 214500.

Allele frequency attached by ClinVar (database versions not stated): TOPMed below 0.00001; ExAC 0.00001; gnomAD 0.00001; gnomAD exomes 0.00001.
gnomAD v4.1: 6 of 1,613,510 alleles (0.00037%); highest among the groups gnomAD compares: East Asian, 0.013%; no homozygotes.

Submissions (2):

Ambry Genetics
Classification: Uncertain significance for Inborn genetic diseases. Last evaluated: 2025-11-23. Review status: criteria provided, single submitter. Criteria: Ambry Variant Classification Scheme 2023. Collection method: clinical testing. Allele origin: germline.

Labcorp Genetics (formerly Invitae), Labcorp
Classification: Uncertain significance for Chédiak-Higashi syndrome. Last evaluated: 2021-09-01. Review status: criteria provided, single submitter. Criteria: Invitae Variant Classification Sherloc (09022015). Collection method: clinical testing. Allele origin: germline.
Comment: This sequence change replaces alanine with valine at codon 375 of the LYST protein (p.Ala375Val). The alanine residue is weakly conserved and there is a small physicochemical difference between alanine and valine. This variant is present in population databases (rs773380110, ExAC 0.01%). This variant has not been reported in the literature in individuals affected with LYST-related conditions. Algorithms developed to predict the effect of missense changes on protein structure and function (SIFT, PolyPhen-2, Align-GVGD) all suggest that this variant is likely to be tolerated. In summary, the available evidence is currently insufficient to determine the role of this variant in disease. Therefore, it has been classified as a Variant of Uncertain Significance.